The following is an entry in ClinVar:

NM_007294.4(BRCA1):c.5193+19A>C

Gene: BRCA1 (BRCA1 DNA repair associated; minus strand). Cytogenetic location: 17q21.31.
Variant type: single nucleotide variant.
Coding change: c.5193+19A>C on transcript NM_007294.4 (MANE Select); 19 bases into the intron after coding-DNA position 5193, A replaced by C.
Molecular consequence: intron variant.
Genome position (GRCh38, 1-based): chr17:43,063,314, T>G on the plus strand (A>C on the coding strand, the complement: BRCA1 is on the minus strand). VCF-style: chr17-43063314-T-G. GRCh37 (hg19) VCF-style: chr17-41215331-T-G.
Other names: c.4989+19A>C (NM_001407863.1); c.5067+19A>C (NM_001407679.1, NM_001407670.1, NM_001407675.1 and 10 more transcripts); c.5070+19A>C (NM_001407938.1, NM_001407667.1, NM_001407668.1 and 6 more transcripts); c.1764+19A>C (NM_001408423.1, NM_001408421.1, NM_001408424.1 and 1 more transcripts); c.1767+19A>C (NM_001408420.1, NM_001408419.1, NM_001408418.1); c.1878+19A>C (NM_001408404.1, NM_001408402.1, NM_001408473.1 and 8 more transcripts); c.1881+19A>C (NM_001408472.1, NM_001407990.1, NM_007299.4 and 12 more transcripts); c.1884+19A>C (NM_001407974.1, NM_001407973.1, NM_001407975.1 and 3 more transcripts); and 72 more.
Identifiers: ClinVar variation 867482 (VCV000867482.3), dbSNP rs1555578276, ClinGen allele CA916079998.

Conditions:
Breast-ovarian cancer, familial, susceptibility to, 1 (BROVCA1). Also called: BRCA1 Hereditary Breast and Ovarian Cancer; OVARIAN CANCER, SUSCEPTIBILITY TO. Identifiers: Orphanet 145, MedGen C2676676, MONDO:0011450, OMIM 604370. Disease mechanism: loss of function.

Submission:

Brotman Baty Institute, University of Washington
No classification provided (evidence only). Condition: Breast-ovarian cancer, familial 1. Review status: no classification provided. Collection method: in vitro. Allele origin: not applicable. Functional consequence: functionally_normal.
ClinVar note: "not provided" was previously submitted as the classification for the variant. However, the classification appeared to be based only on an observation of functional data so it was converted to no classification on 2025-07-30.